The following is an entry in ClinVar:

ClinVar aggregate classification (germline): Uncertain significance (1 of 4 stars; one submission).

Allele frequency attached by ClinVar (database versions not stated): TOPMed below 0.00001; gnomAD exomes 0.00001; ExAC 0.00002.
gnomAD v4.1: 3 of 1,585,282 alleles (0.00019%); highest among the groups gnomAD compares: Non-Finnish European, 0.00026%; no homozygotes.

Submission:

Labcorp Genetics (formerly Invitae), Labcorp
Classification: Uncertain significance. Last evaluated: 2022-03-10. Review status: criteria provided, single submitter. Criteria: Invitae Variant Classification Sherloc (09022015). Collection method: clinical testing. Allele origin: germline.
Comment: In summary, the available evidence is currently insufficient to determine the role of this variant in disease. Therefore, it has been classified as a Variant of Uncertain Significance. Algorithms developed to predict the effect of missense changes on protein structure and function (SIFT, PolyPhen-2, Align-GVGD) all suggest that this variant is likely to be tolerated. This variant has not been reported in the literature in individuals affected with TRPM1-related conditions. This variant is present in population databases (rs779219187, gnomAD 0.001%). This sequence change replaces lysine, which is basic and polar, with glutamic acid, which is acidic and polar, at codon 583 of the TRPM1 protein (p.Lys583Glu).

NM_001252024.2(TRPM1):c.1813A>G (p.Lys605Glu)

Gene: TRPM1 (transient receptor potential cation channel subfamily M member 1; minus strand). Cytogenetic location: 15q13.3.
Variant type: single nucleotide variant.
Coding change: c.1813A>G on transcript NM_001252024.2 (MANE Select); coding-DNA position 1813, A replaced by G.
Protein change: p.Lys605Glu; replaces lysine 605 with glutamic acid.
Molecular consequence: missense variant.
Genome position (GRCh38, 1-based): chr15:31,042,225, T>C on the plus strand (A>G on the coding strand, the complement: TRPM1 is on the minus strand). VCF-style: chr15-31042225-T-C. GRCh37 (hg19) VCF-style: chr15-31334428-T-C.
Other names: c.1864A>G, p.Lys622Glu (NM_001252020.2); c.1747A>G, p.Lys583Glu (NM_002420.6); short protein forms K605E, K622E, K583E.
Identifiers: ClinVar variation 1416855 (VCV001416855.6), dbSNP rs779219187, ClinGen allele CA7452390.